The following is an entry in ClinVar:

NM_019888.3(MC3R):c.829T>C (p.Tyr277His)

Gene: MC3R (melanocortin 3 receptor; plus strand). Cytogenetic location: 20q13.2.
Variant type: single nucleotide variant.
Coding change: c.829T>C on transcript NM_019888.3 (MANE Select); coding-DNA position 829, T replaced by C.
Protein change: p.Tyr277His; replaces tyrosine 277 with histidine.
Molecular consequence: missense variant.
Genome position (GRCh38, 1-based): chr20:56,249,672, T>C. VCF-style: chr20-56249672-T-C. GRCh37 (hg19) VCF-style: chr20-54824728-T-C.
Other names: short protein forms Y277H.
Identifiers: ClinVar variation 4977713 (VCV004977713.1).
Genomic context (GRCh38, chr20:56,249,672, plus strand): 5'-CCCTTCTTCCTCCACCTGGTCCTCATCATCACCTGCCCCACCAACCCCTACTGCATCTGC[T>C]ACACTGCCCACTTCAACACCTACCTGGTCCTCATCATGTGCAACTCCGTCATCGACCCAC-3'
Protein context (NP_063941.3, residues 267-287): TCPTNPYCIC[Tyr277His]TAHFNTYLVL

ClinVar aggregate classification (germline): Uncertain significance (1 of 4 stars; one submission).

Conditions:
MC3R-related disorder. Also called: MC3R-related condition.

Submission:

PreventionGenetics, part of Exact Sciences
Classification: Uncertain significance for MC3R-related condition. Last evaluated: 2024-10-08. Review status: criteria provided, single submitter. Criteria: ACMG Guidelines, 2015. Collection method: clinical testing. Allele origin: germline.
Comment: The MC3R c.829T>C variant is predicted to result in the amino acid substitution p.Tyr277His. To our knowledge, this variant has not been reported in the literature or in a large population database, indicating this variant is rare. At this time, the clinical significance of this variant is uncertain due to the absence of conclusive functional and genetic evidence.